The following is an entry in ClinVar:

NM_016239.4(MYO15A):c.5742T>C (p.Arg1914=)

Gene: MYO15A (myosin XVA; plus strand). Cytogenetic location: 17p11.2.
Variant type: single nucleotide variant.
Coding change: c.5742T>C on transcript NM_016239.4 (MANE Select); coding-DNA position 5742, T replaced by C.
Protein change: p.Arg1914=; no amino-acid change (arginine 1914 retained).
Molecular consequence: synonymous variant.
Genome position (GRCh38, 1-based): chr17:18,142,171, T>C. VCF-style: chr17-18142171-T-C. GRCh37 (hg19) VCF-style: chr17-18045485-T-C.
Identifiers: ClinVar variation 505147 (VCV000505147.7), dbSNP rs778007903, ClinGen allele CA8424380.

ClinVar aggregate classification (germline): Likely benign. Review status: criteria provided, multiple submitters, no conflicts (2 of 4 stars). 2 submissions from 2 submitters: Likely benign (2). Last evaluated 2024-01-24.

Allele frequency attached by ClinVar (database versions not stated): TOPMed below 0.00001; gnomAD exomes 0.00001; ExAC 0.00002; gnomAD 0.00002.
gnomAD v4.1: 7 of 1,613,766 alleles (0.00043%); highest among the groups gnomAD compares: South Asian, 0.0011%; no homozygotes.

Submissions (2):

Labcorp Genetics (formerly Invitae), Labcorp
Classification: Likely benign. Last evaluated: 2024-01-24. Review status: criteria provided, single submitter. Criteria: Invitae Variant Classification Sherloc (09022015). Collection method: clinical testing. Allele origin: germline.

Laboratory for Molecular Medicine, Mass General Brigham Personalized Medicine
Classification: Likely benign. Last evaluated: 2016-06-30. Review status: criteria provided, single submitter. Criteria: LMM Criteria. Collection method: clinical testing. Allele origin: germline. Observed: 1 variant allele.
Comment: p.Arg1914Arg in exon 24 of MYO15A: This variant is not expected to have clinical significance because it does not alter an amino acid residue and is not located within the splice consensus sequence. It has been identified in 1/16410 of Sout h Asian chromosomes and 1/66125 of European chromosomes by the Exome Aggregation Consortium (ExAC; dbSNP rs778007903).